The following is an entry in ClinVar:

NM_000518.5(HBB):c.*110_*111del

Genes: HBB (hemoglobin subunit beta; minus strand), LOC107133510 (origin of replication at HBB; plus strand), LOC110006319 (beta-globin gene 3' regulatory region; plus strand). Cytogenetic location: 11p15.4.
Variant type: Deletion.
Coding change: c.*110_*111del on transcript NM_000518.5 (MANE Select); 110 bases downstream of the stop codon through 111 bases downstream of the stop codon, 2 bases deleted (TA; older notation c.*110_*111delTA).
Molecular consequence: 3 prime UTR variant.
Genome position (GRCh38, 1-based): chr11:5,225,487-5,225,488, TA deleted on the plus strand (TA on the coding strand, the reverse complement: HBB is on the minus strand); deleting any 2 consecutive bases within chr11:5,225,487-5,225,489 gives the same sequence; the c. name uses the placement nearest the transcript's 3' end. VCF-style (leftmost placement, unchanged base first): chr11-5225486-TTA-T. GRCh37 (hg19) VCF-style: chr11-5246716-TTA-T.
Other names: Poly(A) (-TA); (AATAAA>AAAA); c.*110_*111del (NM_000518.4); c.*110_*111delTA (NM_000518.5).
Identifiers: ClinVar variation 632843 (VCV000632843.10), dbSNP rs63750205, ClinGen allele CA217112080.

ClinVar aggregate classification (germline): Pathogenic/Likely pathogenic. Review status: criteria provided, multiple submitters, no conflicts (2 of 4 stars). 4 submissions from 4 submitters: Pathogenic (1); Likely pathogenic (2). 1 of the submissions does not count toward it. Last evaluated 2025-10-19.

Conditions:
beta Thalassemia (BTHAL). Also called: Cooley's anemia; Erythroblastic anemia; Mediterranean anemia. Identifiers: Orphanet 848, MedGen C0005283, MONDO:0019402. Disease mechanism: loss of function.

Submissions (4):

Quest Diagnostics Nichols Institute San Juan Capistrano
Classification: Pathogenic. Last evaluated: 2025-10-19. Review status: criteria provided, single submitter. Criteria: Quest Diagnostics criteria. Collection method: clinical testing. Allele origin: unknown.
Comment: The variant is predicted to cause inefficient cleavage and polyadenylation of the beta-globin mRNA, and is associated with beta(+)-thalassemia (HbVar, PMID: 1301930 (1992), 7599641 (1995)). Previous names for this pathogenic variant include Poly A (-TA), AATAAA>AAAA. This variant has not been reported in large, multi-ethnic general populations (Genome Aggregation Database). Based on the available information, this variant is classified as pathogenic.

ARUP Laboratories, Molecular Genetics and Genomics, ARUP Laboratories
Classification: Likely pathogenic. Last evaluated: 2025-03-12. Review status: criteria provided, single submitter. Criteria: ARUP Molecular Germline Variant Investigation Process 2024. Collection method: clinical testing. Allele origin: germline.
Comment: The Poly A (-AT or -TA) variant (HBB: *110_*111delTA, rs63750205, HbVar ID: 972) is reported in an individual with beta-thalassemia and in an individual presenting with typical beta-thalassemia trait (Ghanem 1992, HbVar link, Kimberland 1995). This variant is also listed in ClinVar (Variation ID: 632843), and in ITHANET as a causative variant (ITHANET link). It is absent from the Genome Aggregation Database (v2.1.1), indicating it is not a common polymorphism. This variant is located in the untranslated mRNA region in the known polyA tail signal (AATAAA) of HBB. Other variants in this region (c.*110T>C, c.*111A>G) are common pathogenic variants shown to reduce mRNA synthesis (Orkin 1985). Based on available information, the *110_*111delTA variant is considered to be likely pathogenic. References: Link to HbVar database: Link to ITHANET database: Ghanem N et al. A comprehensive scanning method for rapid detection of beta-globin gene mutations and polymorphisms. Hum Mutat. 1992;1(3):229-39. PMID: 1301930. Kimberland ML, Boehm CD, Kazazian HH Jr. Two novel beta-thalassemia alleles: poly A signal (AATAAA-->AAAA) and -92 C-->T. Hum Mutat. 1995;5(3):275-6. PMID: 7599641. Orkin S et al. Thalassemia due to a mutation in the cleavage-polyadenylation signal of the human beta-globin gene. EMBO J. 1985; 4(2):453-6. PMID: 4018033.

Women's Health and Genetics/Laboratory Corporation of America, LabCorp
Classification: Likely pathogenic for beta Thalassemia. Last evaluated: 2024-06-21. Review status: criteria provided, single submitter. Criteria: LabCorp Variant Classification Summary - May 2015. Collection method: clinical testing. Allele origin: germline.
Comment: Variant summary: HBB c.*110_*111delTA is located in the untranslated mRNA region downstream of the termination codon that lies in the 'known' polyA tail signal (AATAAA) of HBB, and mutations in this region are known to reduce the synthesis of mRNA. Therefore, this variant is expected or likely to interfere with cleavage of transcript and addition of polyA tail, leading to an elongated transcript that is unstable (Orkin 1985). The variant allele was found at a frequency of 5.9e-06 in 1015192 control chromosomes (gnomAD database v4). c.*110_*111delTA has been reported twice in literature, one individual diagnosed with BTHAL and one individual having typical features of BTHAL minor (Ghanem_1992, Kimberland_1995). Ithanet lists variant as a "Globin gene causative mutation". In the same region, a variant c.*110T>C and c.*111A>G have been reported in literature as a common pathogenic variants. To our knowledge, no experimental evidence demonstrating an impact on protein function has been reported. The following publications have been ascertained in the context of this evaluation (PMID: 1301930, 21423179, 7599641). ClinVar contains an entry for this variant (Variation ID: 632843). Based on the evidence outlined above, the variant was classified as likely pathogenic.

The ITHANET community portal, The Cyprus Institute of Neurology and Genetics
Classification: Pathogenic for beta Thalassemia. Last evaluated: 2019-11-25. Review status: no assertion criteria provided. Collection method: curation. Allele origin: germline. Not counted in ClinVar's aggregate classification.

Literature cited by the submitters: PubMed 35859178 (cited by Quest Diagnostics Nichols Institute San Juan Capistrano); PubMed 21423179 (cited by Quest Diagnostics Nichols Institute San Juan Capistrano and Women's Health and Genetics/Laboratory Corporation of America, LabCorp); PubMed 7599641 (cited by 3 submitters); PubMed 1301930 (cited by 3 submitters).